The following is an entry in ClinVar:

NM_000282.4(PCCA):c.967C>T (p.Leu323Phe)

Gene: PCCA (propionyl-CoA carboxylase subunit alpha; plus strand). Cytogenetic location: 13q32.3.
Variant type: single nucleotide variant.
Coding change: c.967C>T on transcript NM_000282.4 (MANE Select); coding-DNA position 967, C replaced by T.
Protein change: p.Leu323Phe; replaces leucine 323 with phenylalanine.
Molecular consequence: missense variant. On other transcripts: non-coding transcript variant (5).
Genome position (GRCh38, 1-based): chr13:100,273,248, C>T. VCF-style: chr13-100273248-C-T. GRCh37 (hg19) VCF-style: chr13-100925502-C-T.
Other names: c.889C>T, p.Leu297Phe (NM_001127692.3, NM_001352607.2, NM_001352608.2); c.967C>T, p.Leu323Phe (NM_001178004.2, NM_001352605.2, NM_001352606.2 and 1 more transcripts); c.22C>T, p.Leu8Phe (NM_001352610.2, NM_001352611.2, NM_001352612.2); short protein forms L297F, L323F, L8F.
Identifiers: ClinVar variation 1504798 (VCV001504798.3), dbSNP rs1394612377, ClinGen allele CA388694778.
Genomic context (GRCh38, chr13:100,273,248, plus strand): 5'-ATATGTAGCATTTTTTTGGATGCGGAGACTCGAAGAGCGATGGGAGAACAAGCTGTAGCT[C>T]TTGCCAGAGCAGTAAAATATTCCTCTGCTGGGACCGTGGAGTTCCTTGTGGACTCTAAGA-3'
Protein context (NP_000273.2, residues 313-333): RRAMGEQAVA[Leu323Phe]ARAVKYSSAG

ClinVar aggregate classification (germline): Uncertain significance (1 of 4 stars; one submission).

Conditions:
Propionic acidemia (PROP). Also called: GLYCINEMIA, KETOTIC; HYPERGLYCINEMIA WITH KETOACIDOSIS AND LEUKOPENIA; KETOTIC HYPERGLYCINEMIA. Identifiers: Orphanet 35, MedGen C0268579, MONDO:0011628, OMIM 606054, HP:0003571.

Allele frequency attached by ClinVar (database versions not stated): TOPMed 0.00003.
gnomAD v4.1: 5 of 1,612,104 alleles (0.00031%); highest among the groups gnomAD compares: Non-Finnish European, 0.00042%; no homozygotes.

Submission:

Labcorp Genetics (formerly Invitae), Labcorp
Classification: Uncertain significance for Propionic acidemia. Last evaluated: 2021-12-01. Review status: criteria provided, single submitter. Criteria: Invitae Variant Classification Sherloc (09022015). Collection method: clinical testing. Allele origin: germline.
Comment: This sequence change replaces leucine, which is neutral and non-polar, with phenylalanine, which is neutral and non-polar, at codon 323 of the PCCA protein (p.Leu323Phe). This variant is not present in population databases (gnomAD no frequency). This variant has not been reported in the literature in individuals affected with PCCA-related conditions. Advanced modeling of protein sequence and biophysical properties (such as structural, functional, and spatial information, amino acid conservation, physicochemical variation, residue mobility, and thermodynamic stability) performed at Invitae indicates that this missense variant is expected to disrupt PCCA protein function. In summary, the available evidence is currently insufficient to determine the role of this variant in disease. Therefore, it has been classified as a Variant of Uncertain Significance.